The following is an entry in ClinVar:

ClinVar aggregate classification (germline): Likely benign (1 of 4 stars; one submission).

Submission:

CeGaT Center for Human Genetics Tuebingen
Classification: Likely benign. Last evaluated: 2025-02-01. Review status: criteria provided, single submitter. Criteria: CeGaT Center For Human Genetics Tuebingen Variant Classification Criteria Version 2. Collection method: clinical testing. Allele origin: germline. Affected: yes. Observed: 1 variant allele.
Comment: NDUFB11: BP4, BP7, BS2

NM_001135998.3(NDUFB11):c.141G>A (p.Arg47=)

Gene: NDUFB11 (NADH:ubiquinone oxidoreductase subunit B11; minus strand). Cytogenetic location: Xp11.3.
Variant type: single nucleotide variant.
Coding change: c.141G>A on transcript NM_001135998.3 (MANE Select); coding-DNA position 141, G replaced by A.
Protein change: p.Arg47=; no amino-acid change (arginine 47 retained).
Molecular consequence: synonymous variant.
Genome position (GRCh38, 1-based): chrX:47,144,539, C>T on the plus strand (G>A on the coding strand, the complement: NDUFB11 is on the minus strand). VCF-style: chrX-47144539-C-T. GRCh37 (hg19) VCF-style: chrX-47003938-C-T.
Other names: c.141G>A, p.Arg47= (NM_019056.7).
Identifiers: ClinVar variation 3771166 (VCV003771166.13).